The following is an entry in ClinVar:

NM_001322934.2(NFKB2):c.2349C>A (p.Asp783Glu)

Gene: NFKB2 (nuclear factor kappa B subunit 2; plus strand). Cytogenetic location: 10q24.32.
Variant type: single nucleotide variant.
Coding change: c.2349C>A on transcript NM_001322934.2 (MANE Select); coding-DNA position 2349, C replaced by A.
Protein change: p.Asp783Glu; replaces aspartic acid 783 with glutamic acid.
Molecular consequence: missense variant.
Genome position (GRCh38, 1-based): chr10:102,401,800, C>A. VCF-style: chr10-102401800-C-A. GRCh37 (hg19) VCF-style: chr10-104161557-C-A.
Other names: c.2349C>A, p.Asp783Glu (NM_001077494.3, NM_001261403.3, NM_001288724.1 and 1 more transcripts); c.2223C>A, p.Asp741Glu (NM_001322935.1); short protein forms D741E, D783E.
Identifiers: ClinVar variation 939961 (VCV000939961.1), dbSNP rs762058625, ClinGen allele CA377905492.
Genomic context (GRCh38, chr10:102,401,800, plus strand): 5'-CTAAGGGCCGGGACTGTCACTTGGTGATACAGCTCTGCAGAACCTGGAGCAGCTGCTAGA[C>A]GGGCCAGAAGCCCAGGGCAGCTGGGCAGAGCTGGCAGAGCGTCTGGGGCTGCGCAGCCTG-3'
Protein context (NP_001309863.1, residues 773-793): TALQNLEQLL[Asp783Glu]GPEAQGSWAE

ClinVar aggregate classification (germline): Uncertain significance (1 of 4 stars; one submission).

Conditions:
Immunodeficiency, common variable, 10. Also called: DEFICIT IN ANTERIOR PITUITARY FUNCTION AND VARIABLE IMMUNODEFICIENCY; IMMUNODEFICIENCY, COMMON VARIABLE, WITH CENTRAL ADRENAL INSUFFICIENCY. Identifiers: MedGen C3809991, MONDO:0014260, OMIM 615577.

Submission:

Labcorp Genetics (formerly Invitae), Labcorp
Classification: Uncertain significance for Common variable immunodeficiency 10. Last evaluated: 2019-07-15. Review status: criteria provided, single submitter. Criteria: Invitae Variant Classification Sherloc (09022015). Collection method: clinical testing. Allele origin: germline.
Comment: This sequence change replaces aspartic acid with glutamic acid at codon 783 of the NFKB2 protein (p.Asp783Glu). The aspartic acid residue is weakly conserved and there is a small physicochemical difference between aspartic acid and glutamic acid. This variant is not present in population databases (ExAC no frequency). This variant has not been reported in the literature in individuals with NFKB2-related conditions. Algorithms developed to predict the effect of missense changes on protein structure and function are either unavailable or do not agree on the potential impact of this missense change (SIFT: "Tolerated"; PolyPhen-2: "Possibly Damaging"; Align-GVGD: "Class C0"). In summary, the available evidence is currently insufficient to determine the role of this variant in disease. Therefore, it has been classified as a Variant of Uncertain Significance.